The following is an entry in ClinVar:

ClinVar aggregate classification (germline): Benign. Review status: criteria provided, multiple submitters, no conflicts (2 of 4 stars). 8 submissions from 7 submitters: Benign (8). Last evaluated 2026-02-02.

Conditions:
DNA ligase IV deficiency. Identifiers: Orphanet 99812, MedGen C1847827, MONDO:0011686, OMIM 606593.
Severe combined immunodeficiency due to DCLRE1C deficiency (RS-SCID). Also called: SCID, AUTOSOMAL RECESSIVE, T CELL-NEGATIVE, B CELL-NEGATIVE, NK CELL-POSITIVE, WITH SENSITIVITY TO IONIZING RADIATION. Identifiers: Orphanet 275, MedGen C1865371, MONDO:0011225, OMIM 602450.

Allele frequency attached by ClinVar (database versions not stated): gnomAD exomes 0.00766 and 0.00284; gnomAD 0.03276 and 0.03053; 1000 Genomes Project 30x 0.03467; 1000 Genomes Project 0.03534; ExAC 0.00948; TOPMed 0.03418; ESP Exome Variant Server 0.03437.
gnomAD v4.1: 8,982 of 1,613,170 alleles (0.56%); highest among the groups gnomAD compares: African/African-American, 11%; 463 homozygotes.

Submissions (8):

Labcorp Genetics (formerly Invitae), Labcorp
Classification: Benign for DNA ligase IV deficiency. Last evaluated: 2026-02-02. Review status: criteria provided, single submitter. Criteria: Invitae Variant Classification Sherloc (09022015). Collection method: clinical testing. Allele origin: germline.

Women's Health and Genetics/Laboratory Corporation of America, LabCorp
Classification: Benign. Last evaluated: 2026-01-22. Review status: criteria provided, single submitter. Criteria: LabCorp Variant Classification Summary - May 2015. Collection method: clinical testing. Allele origin: germline.

KCCC/NGS Laboratory, Kuwait Cancer Control Center
Classification: Benign for DNA ligase IV deficiency. Last evaluated: 2023-07-07. Review status: criteria provided, single submitter. Criteria: ACMG Guidelines, 2015. Collection method: clinical testing. Allele origin: germline. Affected: yes.

Mayo Clinic Laboratories, Mayo Clinic
Classification: Benign. Last evaluated: 2018-12-11. Review status: criteria provided, single submitter. Criteria: ACMG Guidelines, 2015. Collection method: clinical testing. Allele origin: germline. Observed: 19 variant alleles.

Illumina Laboratory Services, Illumina
Classification: Benign for DNA ligase IV deficiency. Last evaluated: 2018-01-13. Review status: criteria provided, single submitter. Criteria: ICSL Variant Classification Criteria 13 December 2019. Collection method: clinical testing. Allele origin: germline.
Comment: This variant was observed in the ICSL laboratory as part of a predisposition screen in an ostensibly healthy population. It had not been previously curated by ICSL or reported in the Human Gene Mutation Database (HGMD: prior to June 1st, 2018), and was therefore a candidate for classification through an automated scoring system. Utilizing variant allele frequency, disease prevalence and penetrance estimates, and inheritance mode, an automated score was calculated to assess if this variant is too frequent to cause the disease. Based on the score and internal cut-off values, a variant classified as benign is not then subjected to further curation. The score for this variant resulted in a classification of benign for this disease.

Illumina Laboratory Services, Illumina
Classification: Benign for Severe combined immunodeficiency due to DCLRE1C deficiency. Last evaluated: 2018-01-13. Review status: criteria provided, single submitter. Criteria: ICSL Variant Classification Criteria 13 December 2019. Collection method: clinical testing. Allele origin: germline.
Comment: the same text as in the submission from Illumina Laboratory Services, Illumina above.

GeneDx
Classification: Benign. Last evaluated: 2015-03-03. Review status: criteria provided, single submitter. Criteria: GeneDx Variant Classification Process June 2021. Collection method: clinical testing. Allele origin: germline. Affected: yes.

Breakthrough Genomics
Classification: Benign. Review status: criteria provided, single submitter. Criteria: ACMG Guidelines, 2015. Collection method: not provided. Allele origin: germline. Inheritance: Autosomal recessive inheritance. Affected: yes.

NM_206937.2(LIG4):c.807C>T (p.Tyr269=)

Gene: LIG4 (DNA ligase 4; minus strand). Cytogenetic location: 13q33.3.
Variant type: single nucleotide variant.
Coding change: c.807C>T on transcript NM_206937.2 (MANE Select); coding-DNA position 807, C replaced by T.
Protein change: p.Tyr269=; no amino-acid change (tyrosine 269 retained).
Molecular consequence: synonymous variant.
Genome position (GRCh38, 1-based): chr13:108,210,462, G>A on the plus strand (C>T on the coding strand, the complement: LIG4 is on the minus strand). VCF-style: chr13-108210462-G-A. GRCh37 (hg19) VCF-style: chr13-108862810-G-A.
Other names: p.Tyr269=; c.807C>T, p.Tyr269= (NM_001098268.2, NM_001352598.2, NM_001352599.2 and 6 more transcripts); c.606C>T, p.Tyr202= (NM_001330595.2); c.843C>T, p.Tyr281= (NM_001352604.2); c.807C>T (NM_206937.1).
Identifiers: ClinVar variation 310988 (VCV000310988.22), dbSNP rs2232638, ClinGen allele CA7043796.